The following is an entry in ClinVar:

NM_003073.5(SMARCB1):c.565A>G (p.Ile189Val)

Gene: SMARCB1 (SWI/SNF related BAF chromatin remodeling complex subunit B1; plus strand). Cytogenetic location: 22q11.23.
Variant type: single nucleotide variant.
Coding change: c.565A>G on transcript NM_003073.5 (MANE Select); coding-DNA position 565, A replaced by G.
Protein change: p.Ile189Val; replaces isoleucine 189 with valine.
Molecular consequence: missense variant.
Genome position (GRCh38, 1-based): chr22:23,803,359, A>G. VCF-style: chr22-23803359-A-G. GRCh37 (hg19) VCF-style: chr22-24145546-A-G.
Other names: c.565A>G (LRG_520t1); c.538A>G, p.Ile180Val (NM_001007468.3); c.592A>G, p.Ile198Val (NM_001317946.2); c.619A>G, p.Ile207Val (NM_001362877.2); short protein forms I189V, I207V, I180V, I198V.
Identifiers: ClinVar variation 665220 (VCV000665220.8), dbSNP rs1601405054, ClinGen allele CA410935786.
Genomic context (GRCh38, chr22:23,803,359, plus strand): 5'-GATGACCATGACCCAGCTGTGATCCATGAGAACGCATCTCAGCCCGAGGTGCTGGTCCCC[A>G]TCCGGCTGGACATGGAGATCGATGGGCAGAAGCTGCGAGACGCCTTCACCTGGAACATGA-3'
Protein context (NP_003064.2, residues 179-199): NASQPEVLVP[Ile189Val]RLDMEIDGQK

ClinVar aggregate classification (germline): Uncertain significance (1 of 4 stars; one submission).

Allele frequency attached by ClinVar (database versions not stated): gnomAD exomes below 0.00001.
gnomAD v4.1: 1 of 1,614,204 alleles (0.000062%); highest among the groups gnomAD compares: Non-Finnish European, 0.000085%; no homozygotes.

Submission:

Labcorp Genetics (formerly Invitae), Labcorp
Classification: Uncertain significance. Last evaluated: 2018-09-01. Review status: criteria provided, single submitter. Criteria: Invitae Variant Classification Sherloc (09022015). Collection method: clinical testing. Allele origin: germline.
Comment: In summary, the available evidence is currently insufficient to determine the role of this variant in disease. Therefore, it has been classified as a Variant of Uncertain Significance. Algorithms developed to predict the effect of missense changes on protein structure and function are either unavailable or do not agree on the potential impact of this missense change (SIFT: "Deleterious"; PolyPhen-2: "Benign"; Align-GVGD: "Class C25"). This variant has not been reported in the literature in individuals with SMARCB1-related disease. This variant is not present in population databases (ExAC no frequency). This sequence change replaces isoleucine with valine at codon 189 of the SMARCB1 protein (p.Ile189Val). The isoleucine residue is highly conserved and there is a small physicochemical difference between isoleucine and valine.